The following is an entry in ClinVar:

ClinVar aggregate classification (germline): Uncertain significance (1 of 4 stars; one submission).

Conditions:
Familial thoracic aortic aneurysm and aortic dissection (TAAD). Also called: Thoracic aortic aneurysms and dissections. Identifiers: Orphanet 91387, MedGen C4707243, MONDO:0019625.
Marfan syndrome (MFS). Also called: FBN1-Related Marfan Syndrome; Marfan's syndrome; MARFAN SYNDROME, TYPE I; Marfan syndrome type 1; Marfan syndrome, classic. Identifiers: Orphanet 284963, Orphanet 558, MedGen C0024796, MONDO:0007947, OMIM 154700.

Submission:

Labcorp Genetics (formerly Invitae), Labcorp
Classification: Uncertain significance for Marfan syndrome; Familial thoracic aortic aneurysm and aortic dissection. Last evaluated: 2019-01-29. Review status: criteria provided, single submitter. Criteria: Invitae Variant Classification Sherloc (09022015). Collection method: clinical testing. Allele origin: germline.
Comment: This variant has not been reported in the literature in individuals with FBN1-related conditions. In summary, the available evidence is currently insufficient to determine the role of this variant in disease. Therefore, it has been classified as a Variant of Uncertain Significance. Algorithms developed to predict the effect of missense changes on protein structure and function are either unavailable or do not agree on the potential impact of this missense change (SIFT: "Deleterious"; PolyPhen-2: "Benign"; Align-GVGD: "Class C0"). This variant is not present in population databases (ExAC no frequency). This sequence change replaces serine with cysteine at codon 2563 of the FBN1 protein (p.Ser2563Cys). The serine residue is weakly conserved and there is a moderate physicochemical difference between serine and cysteine.

NM_000138.5(FBN1):c.7688C>G (p.Ser2563Cys)

Gene: FBN1 (fibrillin 1; minus strand). Cytogenetic location: 15q21.1.
Variant type: single nucleotide variant.
Coding change: c.7688C>G on transcript NM_000138.5 (MANE Select); coding-DNA position 7688, C replaced by G.
Protein change: p.Ser2563Cys; replaces serine 2563 with cysteine.
Molecular consequence: missense variant.
Genome position (GRCh38, 1-based): chr15:48,421,569, G>C on the plus strand (C>G on the coding strand, the complement: FBN1 is on the minus strand). VCF-style: chr15-48421569-G-C. GRCh37 (hg19) VCF-style: chr15-48713766-G-C.
Other names: short protein forms S2563C.
Identifiers: ClinVar variation 842096 (VCV000842096.9), dbSNP rs2042941564, ClinGen allele CA392324956.